The following is an entry in ClinVar:

NM_004036.5(ADCY3):c.117_120dup (p.Arg41fs)

Gene: ADCY3 (adenylate cyclase 3; minus strand). Cytogenetic location: 2p23.3.
Variant type: Duplication.
Coding change: c.117_120dup on transcript NM_004036.5 (MANE Select); coding-DNA positions 117 to 120, 4 bases duplicated (GGTC; older notation c.117_120dupGGTC).
Protein change: p.Arg41fs; shifts the reading frame from arginine 41.
Molecular consequence: frameshift variant.
Genome position (GRCh38, 1-based): chr2:24,918,868-24,918,871, GACC duplicated on the plus strand (GGTC on the coding strand, the reverse complement: ADCY3 is on the minus strand); duplicating any 4 consecutive bases within chr2:24,918,868-24,918,873 gives the same sequence; the c. name uses the placement nearest the transcript's 3' end. VCF-style (leftmost placement, unchanged base first): chr2-24918867-G-GGACC. GRCh37 (hg19) VCF-style: chr2-25141736-G-GGACC.
Other names: c.117_120dup, p.Arg41fs (NM_001320613.2, NM_001377128.1, NM_001377129.1 and 2 more transcripts); short protein forms R41fs.
Identifiers: ClinVar variation 3356406 (VCV003356406.1).

ClinVar aggregate classification (germline): Uncertain significance (0 of 4 stars; one submission).

Conditions:
ADCY3-related disorder. Also called: ADCY3-related condition.

Submission:

PreventionGenetics, part of Exact Sciences
Classification: Uncertain significance for ADCY3-related condition. Last evaluated: 2024-05-11. Review status: no assertion criteria provided. Collection method: clinical testing. Allele origin: germline.
Comment: The ADCY3 c.117_120dupGGTC variant is predicted to result in a frameshift and premature protein termination (p.Arg41Glyfs*50). To our knowledge, this variant has not been reported in the literature. This variant is located in the first coding exon and multiple start codons (ATG) encoding methionine are found downstream in the same exon. This variant is reported in 0.0058% of alleles in individuals of Latino descent in gnomAD. Although we suspect that this variant may be pathogenic, at this time, the clinical significance of this variant is uncertain due to the absence of conclusive functional and genetic evidence.